The following is an entry in ClinVar:

NM_152564.5(VPS13B):c.2557del (p.Ile853fs)

Gene: VPS13B (vacuolar protein sorting 13 homolog B; plus strand). Cytogenetic location: 8q22.2.
Variant type: Deletion.
Coding change: c.2557del on transcript NM_152564.5 (MANE Select); coding-DNA position 2557, one base deleted (A; older notation c.2557delA).
Protein change: p.Ile853fs; shifts the reading frame from isoleucine 853.
Molecular consequence: frameshift variant.
Genome position (GRCh38, 1-based): chr8:99,274,239, A deleted; the last of 2 consecutive A bases (chr8:99,274,238-99,274,239); deleting either gives the same sequence. VCF-style (leftmost placement, unchanged base first): chr8-99274237-CA-C. GRCh37 (hg19) VCF-style: chr8-100286465-CA-C.
Other names: c.2557del, p.Ile853fs (NM_017890.5); short protein forms I853fs.
Identifiers: ClinVar variation 3724342 (VCV003724342.2).

ClinVar aggregate classification (germline): Pathogenic (1 of 4 stars; one submission).

Conditions:
Cohen syndrome (COH1). Also called: PEPPER SYNDROME; Cutis verticis gyrata, retinitis pigmentosa, and sensorineural deafness. Identifiers: Orphanet 193, MedGen C0265223, MONDO:0008999, OMIM 216550.

Submission:

Labcorp Genetics (formerly Invitae), Labcorp
Classification: Pathogenic for Cohen syndrome. Last evaluated: 2025-03-31. Review status: criteria provided, single submitter. Criteria: Invitae Variant Classification Sherloc (09022015). Collection method: clinical testing. Allele origin: germline.
Comment: This sequence change creates a premature translational stop signal (p.Ile853Serfs*6) in the VPS13B gene. It is expected to result in an absent or disrupted protein product. Loss-of-function variants in VPS13B are known to be pathogenic (PMID: 15141358, 16648375, 20461111). This variant is not present in population databases (gnomAD no frequency). This variant has not been reported in the literature in individuals affected with VPS13B-related conditions. Algorithms developed to predict the effect of sequence changes on RNA splicing suggest that this variant may disrupt the consensus splice site. For these reasons, this variant has been classified as Pathogenic.

Literature cited by the submitters: PubMed 15141358; PubMed 16648375; PubMed 20461111.